The following is an entry in ClinVar:

NM_000414.4(HSD17B4):c.2202C>A (p.Ala734=)

Gene: HSD17B4 (hydroxysteroid 17-beta dehydrogenase 4; plus strand). Cytogenetic location: 5q23.1.
Variant type: single nucleotide variant.
Coding change: c.2202C>A on transcript NM_000414.4 (MANE Select); coding-DNA position 2202, C replaced by A.
Protein change: p.Ala734=; no amino-acid change (alanine 734 retained).
Molecular consequence: synonymous variant. On other transcripts: non-coding transcript variant (2).
Genome position (GRCh38, 1-based): chr5:119,541,985, C>A. VCF-style: chr5-119541985-C-A. GRCh37 (hg19) VCF-style: chr5-118877680-C-A.
Other names: c.2277C>A, p.Ala759= (NM_001199291.3); c.2148C>A, p.Ala716= (NM_001199292.2); c.2130C>A, p.Ala710= (NM_001292027.2, NM_001374498.1); c.1782C>A, p.Ala594= (NM_001292028.2); c.2193C>A, p.Ala731= (NM_001374497.1); c.1875C>A, p.Ala625= (NM_001374499.1); c.1761C>A, p.Ala587= (NM_001374500.1); c.1791C>A, p.Ala597= (NM_001374501.1, NM_001374502.1, NM_001374503.1).
Identifiers: ClinVar variation 3349431 (VCV003349431.1).

ClinVar aggregate classification (germline): Likely benign (0 of 4 stars; one submission).

Conditions:
HSD17B4-related disorder. Also called: HSD17B4-related disorders; HSD17B4-related condition.

Submission:

PreventionGenetics, part of Exact Sciences
Classification: Likely benign for HSD17B4-related condition. Last evaluated: 2024-07-03. Review status: no assertion criteria provided. Collection method: clinical testing. Allele origin: germline.
Comment: This variant is classified as likely benign based on ACMG/AMP sequence variant interpretation guidelines (Richards et al. 2015 PMID: 25741868, with internal and published modifications).